The following is an entry in ClinVar:

ClinVar aggregate classification (germline): Conflicting classifications of pathogenicity. Review status: criteria provided, conflicting classifications (1 of 4 stars). 10 submissions from 10 submitters: Uncertain significance (2); Benign (2); Likely benign (5). 1 of the submissions does not count toward it. Last evaluated 2026-01-12.

Conditions:
GRIN2B-related disorder. Also called: GRIN2B-related condition.
Inborn genetic diseases. Identifiers: MedGen C0950123, MeSH D030342.
Intellectual developmental disorder, autosomal dominant 6, with or without seizures. Also called: Intellectual disability, autosomal dominant 6; GRIN2B-related developmental delay, intellectual disability and autism spectrum disorder. Identifiers: Orphanet 589547, MedGen C3151411, MONDO:0013509, OMIM 613970.
Developmental and epileptic encephalopathy, 27 (DEE27). Also called: Epileptic encephalopathy, early infantile, 27; GRIN2B-Related Neurodevelopmental Disorder. Identifiers: Orphanet 3451, MedGen C4015316, MONDO:0014505, OMIM 616139.

Allele frequency attached by ClinVar (database versions not stated): TOPMed 0.00010; gnomAD 0.00011 and 0.00013; gnomAD exomes 0.00023 and 0.00028; ExAC 0.00025.
gnomAD v4.1: 425 of 1,614,052 alleles (0.026%); highest among the groups gnomAD compares: South Asian, 0.042%; no homozygotes.

Submissions (10):

Labcorp Genetics (formerly Invitae), Labcorp
Classification: Benign for Developmental and epileptic encephalopathy, 27; Intellectual developmental disorder, autosomal dominant 6, with or without seizures. Last evaluated: 2026-01-12. Review status: criteria provided, single submitter. Criteria: Invitae Variant Classification Sherloc (09022015). Collection method: clinical testing. Allele origin: germline.

CeGaT Center for Human Genetics Tuebingen
Classification: Likely benign. Last evaluated: 2025-09-01. Review status: criteria provided, single submitter. Criteria: CeGaT Center For Human Genetics Tuebingen Variant Classification Criteria Version 2. Collection method: clinical testing. Allele origin: germline. Affected: yes. Observed: 3 variant alleles.
Comment: GRIN2B: BP4, BS2

Blueprint Genetics
Classification: Likely benign. Last evaluated: 2024-10-04. Review status: criteria provided, single submitter. Criteria: ACMG Guidelines, 2015. Collection method: clinical testing. Allele origin: germline.

Women's Health and Genetics/Laboratory Corporation of America, LabCorp
Classification: Likely benign. Last evaluated: 2024-02-19. Review status: criteria provided, single submitter. Criteria: LabCorp Variant Classification Summary - May 2015. Collection method: clinical testing. Allele origin: germline.
Comment: Variant summary: GRIN2B c.3076G>A (p.Gly1026Ser) results in a non-conservative amino acid change located in the N-methyl D-aspartate receptor 2B3 C-terminus domain (IPR018884) of the encoded protein sequence. Three of five in-silico tools predict a benign effect of the variant on protein function. The variant allele was found at a frequency of 0.00023 in 251428 control chromosomes. c.3076G>A has been reported in the literature in at least one individual affected with autism spectrum disorder, without evidence for causation (e.g. Tarabeux_2011). This report does not provide unequivocal conclusions about association of the variant with Mental Retardation, Autosomal Dominant 6. To our knowledge, no experimental evidence demonstrating an impact on protein function has been reported. The following publication has been ascertained in the context of this evaluation (PMID: 22833210). ClinVar contains an entry for this variant (Variation ID: 205716). Based on the evidence outlined above, the variant was classified as likely benign.

Ambry Genetics
Classification: Likely benign for Inborn genetic diseases. Last evaluated: 2024-01-12. Review status: criteria provided, single submitter. Criteria: Ambry Variant Classification Scheme 2023. Collection method: clinical testing. Allele origin: germline.

Revvity Omics, Revvity
Classification: Uncertain significance. Last evaluated: 2024-01-11. Review status: criteria provided, single submitter. Criteria: ACMG Guidelines, 2015. Collection method: clinical testing. Allele origin: germline.

New York Genome Center
Classification: Likely benign for Developmental and epileptic encephalopathy, 27. Last evaluated: 2022-01-09. Review status: criteria provided, single submitter. Criteria: NYGC Assertion Criteria 2020. Collection method: clinical testing. Allele origin: germline. Observed: 1 heterozygote. Study: CSER-NYCKidSeq.

GeneDx
Classification: Benign. Last evaluated: 2018-06-22. Review status: criteria provided, single submitter. Criteria: GeneDx Variant Classification Process June 2021. Collection method: clinical testing. Allele origin: germline. Affected: yes.
Comment: This variant is associated with the following publications: (PMID: 27818011, 22986046, 22833210)

Eurofins Ntd Llc (ga)
Classification: Uncertain significance. Last evaluated: 2016-12-01. Review status: criteria provided, single submitter. Criteria: EGL Classification Definitions 2015. Collection method: clinical testing. Allele origin: germline. Observed: 1 variant allele, 1 heterozygote.

PreventionGenetics, part of Exact Sciences
Classification: Likely benign for GRIN2B-related condition. Last evaluated: 2022-02-01. Review status: no assertion criteria provided. Collection method: clinical testing. Allele origin: germline. Not counted in ClinVar's aggregate classification.
Comment: This variant is classified as likely benign based on ACMG/AMP sequence variant interpretation guidelines (Richards et al. 2015 PMID: 25741868, with internal and published modifications).

Literature cited by the submitters: PubMed 22833210 (cited by Women's Health and Genetics/Laboratory Corporation of America, LabCorp).

NM_000834.5(GRIN2B):c.3076G>A (p.Gly1026Ser)

Gene: GRIN2B (glutamate ionotropic receptor NMDA type subunit 2B; minus strand). Cytogenetic location: 12p13.1.
Variant type: single nucleotide variant.
Coding change: c.3076G>A on transcript NM_000834.5 (MANE Select); coding-DNA position 3076, G replaced by A.
Protein change: p.Gly1026Ser; replaces glycine 1026 with serine.
Molecular consequence: missense variant.
Genome position (GRCh38, 1-based): chr12:13,564,162, C>T on the plus strand (G>A on the coding strand, the complement: GRIN2B is on the minus strand). VCF-style: chr12-13564162-C-T. GRCh37 (hg19) VCF-style: chr12-13717096-C-T.
Other names: p.G1026S:GGC>AGC; c.3076G>A (NM_000834.4); short protein forms G1026S.
Identifiers: ClinVar variation 205716 (VCV000205716.67), dbSNP rs201963596, ClinGen allele CA315060.